The following is an entry in ClinVar:

NM_004186.5(SEMA3F):c.1233G>A (p.Thr411=)

Gene: SEMA3F (semaphorin 3F; plus strand). Cytogenetic location: 3p21.31.
Variant type: single nucleotide variant.
Coding change: c.1233G>A on transcript NM_004186.5 (MANE Select); coding-DNA position 1233, G replaced by A.
Protein change: p.Thr411=; no amino-acid change (threonine 411 retained).
Molecular consequence: synonymous variant.
Genome position (GRCh38, 1-based): chr3:50,183,564, G>A. VCF-style: chr3-50183564-G-A. GRCh37 (hg19) VCF-style: chr3-50220997-G-A.
Other names: c.936G>A, p.Thr312= (NM_001318798.2); c.1140G>A, p.Thr380= (NM_001318800.2).
Identifiers: ClinVar variation 4982945 (VCV004982945.1).

ClinVar aggregate classification (germline): Uncertain significance (1 of 4 stars; one submission).

Conditions:
SEMA3F-related disorder. Also called: SEMA3F-related condition.

gnomAD v4.1: 9 of 1,613,634 alleles (0.00056%); highest among the groups gnomAD compares: East Asian, 0.0045%; no homozygotes.

Submission:

PreventionGenetics, part of Exact Sciences
Classification: Uncertain significance for SEMA3F-related condition. Last evaluated: 2026-03-23. Review status: criteria provided, single submitter. Criteria: ACMG Guidelines, 2015. Collection method: clinical testing. Allele origin: germline.
Comment: The SEMA3F c.1233G>A variant is not predicted to result in an amino acid change (p.=). This variant is located at the last base of an exon, and is predicted to alter splicing based on available splicing prediction programs (SpliceAI, Jaganathan et al. 2019. PubMed ID: 30661751). To our knowledge, this variant has not been reported in the literature. This variant is reported in 0.0054% of alleles in individuals of East Asian descent in gnomAD. At this time, the clinical significance of this variant is uncertain due to the absence of conclusive functional and genetic evidence.